The following is an entry in ClinVar:

ClinVar aggregate classification (germline): Pathogenic/Likely pathogenic. Review status: criteria provided, multiple submitters, no conflicts (2 of 4 stars). 2 submissions from 2 submitters: Pathogenic (1); Likely pathogenic (1). Last evaluated 2023-08-15.

Conditions:
Hereditary cancer-predisposing syndrome. Also called: Hereditary Cancer Syndrome; Neoplastic Syndromes, Hereditary; Hereditary neoplastic syndrome; Tumor predisposition. Identifiers: Orphanet 140162, MedGen C0027672, MeSH D009386, MONDO:0015356.
Familial cancer of breast. Also called: BREAST CANCER, FAMILIAL; Hereditary breast cancer; hereditary breast carcinoma. Identifiers: Orphanet 227535, MedGen C0346153, MONDO:0016419, OMIM 114480. Disease mechanism: loss of function.

Submissions (2):

Baylor Genetics
Classification: Likely pathogenic for Familial cancer of breast. Last evaluated: 2023-08-15. Review status: criteria provided, single submitter. Criteria: ACMG Guidelines, 2015. Collection method: clinical testing. Allele origin: unknown.

Ambry Genetics
Classification: Pathogenic for Hereditary cancer-predisposing syndrome. Last evaluated: 2013-05-16. Review status: criteria provided, single submitter. Criteria: Ambry Autosomal Dominant and X-Linked criteria (10/2015). Collection method: clinical testing. Allele origin: germline. Observed: 1 variant allele.
Comment: This alteration is expected to result in loss of function by premature protein truncation or nonsense-mediatedâ€¯mRNAâ€¯decay.â€¯As such, this alteration is interpreted as a disease-causing mutation.

NM_032043.3(BRIP1):c.804T>G (p.Tyr268Ter)

Gene: BRIP1 (BRCA1 interacting DNA helicase 1; minus strand). Cytogenetic location: 17q23.2.
Variant type: single nucleotide variant.
Coding change: c.804T>G on transcript NM_032043.3 (MANE Select); coding-DNA position 804, T replaced by G.
Protein change: p.Tyr268Ter; replaces tyrosine 268 with a stop codon.
Molecular consequence: nonsense.
Genome position (GRCh38, 1-based): chr17:61,808,581, A>C on the plus strand (T>G on the coding strand, the complement: BRIP1 is on the minus strand). VCF-style: chr17-61808581-A-C. GRCh37 (hg19) VCF-style: chr17-59885942-A-C.
Other names: short protein forms Y268*.
Identifiers: ClinVar variation 142514 (VCV000142514.4), dbSNP rs587782514, ClinGen allele CA168563.